The following is an entry in ClinVar:

ClinVar aggregate classification (germline): Uncertain significance (1 of 4 stars; one submission).

Allele frequency attached by ClinVar (database versions not stated): gnomAD exomes below 0.00001.
gnomAD v4.1: 2 of 1,614,114 alleles (0.00012%); highest among the groups gnomAD compares: Non-Finnish European, 0.00017%; no homozygotes.

Submission:

Labcorp Genetics (formerly Invitae), Labcorp
Classification: Uncertain significance. Last evaluated: 2021-04-08. Review status: criteria provided, single submitter. Criteria: Invitae Variant Classification Sherloc (09022015). Collection method: clinical testing. Allele origin: germline.
Comment: Algorithms developed to predict the effect of missense changes on protein structure and function (SIFT, PolyPhen-2, Align-GVGD) all suggest that this variant is likely to be tolerated, but these predictions have not been confirmed by published functional studies and their clinical significance is uncertain. This variant has not been reported in the literature in individuals with IL12RB2-related conditions. This variant is not present in population databases (ExAC no frequency). This sequence change replaces methionine with lysine at codon 743 of the IL12RB2 protein (p.Met743Lys). The methionine residue is weakly conserved and there is a moderate physicochemical difference between methionine and lysine. In summary, the available evidence is currently insufficient to determine the role of this variant in disease. Therefore, it has been classified as a Variant of Uncertain Significance.

NM_001374259.2(IL12RB2):c.2228T>A (p.Met743Lys)

Gene: IL12RB2 (interleukin 12 receptor subunit beta 2; plus strand). Cytogenetic location: 1p31.3.
Variant type: single nucleotide variant.
Coding change: c.2228T>A on transcript NM_001374259.2 (MANE Select); coding-DNA position 2228, T replaced by A.
Protein change: p.Met743Lys; replaces methionine 743 with lysine.
Molecular consequence: missense variant. On other transcripts: 3 prime UTR variant (3), non-coding transcript variant (2).
Genome position (GRCh38, 1-based): chr1:67,395,728, T>A. VCF-style: chr1-67395728-T-A. GRCh37 (hg19) VCF-style: chr1-67861411-T-A.
Other names: c.*148T>A (NM_001258214.1, NM_001319233.1); c.1970T>A, p.Met657Lys (NM_001258215.1); c.*129T>A (NM_001258216.1); c.2228T>A, p.Met743Lys (NM_001559.3); short protein forms M657K, M743K.
Identifiers: ClinVar variation 1419715 (VCV001419715.8), dbSNP rs2100358254, ClinGen allele CA340735148.